The following is an entry in ClinVar:

NM_001127453.2(GSDME):c.1348C>T (p.Arg450Cys)

Gene: GSDME (gasdermin E; minus strand). Cytogenetic location: 7p15.3.
Variant type: single nucleotide variant.
Coding change: c.1348C>T on transcript NM_001127453.2 (MANE Select); coding-DNA position 1348, C replaced by T.
Protein change: p.Arg450Cys; replaces arginine 450 with cysteine.
Molecular consequence: missense variant.
Genome position (GRCh38, 1-based): chr7:24,699,169, G>A on the plus strand (C>T on the coding strand, the complement: GSDME is on the minus strand). VCF-style: chr7-24699169-G-A. GRCh37 (hg19) VCF-style: chr7-24738788-G-A.
Other names: c.856C>T, p.Arg286Cys (NM_001127454.2); c.1348C>T, p.Arg450Cys (NM_004403.3); short protein forms R450C, R286C.
Identifiers: ClinVar variation 359839 (VCV000359839.16), dbSNP rs151328414, ClinGen allele CA4191289.

ClinVar aggregate classification (germline): Benign/Likely benign. Review status: criteria provided, multiple submitters, no conflicts (2 of 4 stars). 4 submissions from 4 submitters: Benign (3); Likely benign (1). Last evaluated 2025-11-23.

Conditions:
Autosomal dominant nonsyndromic hearing loss 5. Identifiers: Orphanet 90635, MedGen C1832932, MONDO:0010973, OMIM 600994.

Allele frequency attached by ClinVar (database versions not stated): TOPMed 0.00005; ESP Exome Variant Server 0.00008; 1000 Genomes Project 30x 0.00172; 1000 Genomes Project 0.00200.
gnomAD v4.1: 745 of 1,614,118 alleles (0.046%); highest among the groups gnomAD compares: South Asian, 0.76%; 10 homozygotes.

Submissions (4):

Labcorp Genetics (formerly Invitae), Labcorp
Classification: Benign. Last evaluated: 2025-11-23. Review status: criteria provided, single submitter. Criteria: Invitae Variant Classification Sherloc (09022015). Collection method: clinical testing. Allele origin: germline.

Blueprint Genetics
Classification: Likely benign. Last evaluated: 2024-08-19. Review status: criteria provided, single submitter. Criteria: ACMG Guidelines, 2015. Collection method: clinical testing. Allele origin: germline.

GeneDx
Classification: Benign. Last evaluated: 2021-05-24. Review status: criteria provided, single submitter. Criteria: GeneDx Variant Classification Process June 2021. Collection method: clinical testing. Allele origin: germline. Affected: yes.

Illumina Laboratory Services, Illumina
Classification: Benign for Autosomal dominant nonsyndromic hearing loss 5. Last evaluated: 2018-01-12. Review status: criteria provided, single submitter. Criteria: ICSL Variant Classification Criteria 13 December 2019. Collection method: clinical testing. Allele origin: germline.
Comment: This variant was observed in the ICSL laboratory as part of a predisposition screen in an ostensibly healthy population. It had not been previously curated by ICSL or reported in the Human Gene Mutation Database (HGMD: prior to June 1st, 2018), and was therefore a candidate for classification through an automated scoring system. Utilizing variant allele frequency, disease prevalence and penetrance estimates, and inheritance mode, an automated score was calculated to assess if this variant is too frequent to cause the disease. Based on the score and internal cut-off values, a variant classified as benign is not then subjected to further curation. The score for this variant resulted in a classification of benign for this disease.